The following is an entry in ClinVar:

NM_002887.4(RARS1):c.1869G>C (p.Gln623His)

Gene: RARS1 (arginyl-tRNA synthetase 1; plus strand). Cytogenetic location: 5q34.
Variant type: single nucleotide variant.
Coding change: c.1869G>C on transcript NM_002887.4 (MANE Select); coding-DNA position 1869, G replaced by C.
Protein change: p.Gln623His; replaces glutamine 623 with histidine.
Molecular consequence: missense variant.
Genome position (GRCh38, 1-based): chr5:168,518,058, G>C. VCF-style: chr5-168518058-G-C. GRCh37 (hg19) VCF-style: chr5-167945063-G-C.
Other names: short protein forms Q623H.
Identifiers: ClinVar variation 1680442 (VCV001680442.6), dbSNP rs758848412, ClinGen allele CA3550028.

ClinVar aggregate classification (germline): Uncertain significance (1 of 4 stars; one submission).

Allele frequency attached by ClinVar (database versions not stated): gnomAD exomes below 0.00001 and 0.00001; ExAC 0.00001.
gnomAD v4.1: 1 of 772,774 alleles (0.00013%); highest among the groups gnomAD compares: Non-Finnish European, 0.00018%; no homozygotes.

Submission:

Labcorp Genetics (formerly Invitae), Labcorp
Classification: Uncertain significance. Last evaluated: 2021-12-02. Review status: criteria provided, single submitter. Criteria: Invitae Variant Classification Sherloc (09022015). Collection method: clinical testing. Allele origin: germline.
Comment: Algorithms developed to predict the effect of missense changes on protein structure and function are either unavailable or do not agree on the potential impact of this missense change (SIFT: "Deleterious"; PolyPhen-2: "Possibly Damaging"; Align-GVGD: "Class C0"). In summary, the available evidence is currently insufficient to determine the role of this variant in disease. Therefore, it has been classified as a Variant of Uncertain Significance. This variant has not been reported in the literature in individuals affected with RARS-related conditions. The frequency data for this variant in the population databases is considered unreliable, as metrics indicate poor data quality at this position in the gnomAD database. This sequence change replaces glutamine, which is neutral and polar, with histidine, which is basic and polar, at codon 623 of the RARS protein (p.Gln623His).